The following is an entry in ClinVar:

ClinVar aggregate classification (germline): Uncertain significance (1 of 4 stars; one submission).

Submission:

GeneDx
Classification: Uncertain significance. Last evaluated: 2025-06-10. Review status: criteria provided, single submitter. Criteria: GeneDx Variant Classification Process June 2021. Collection method: clinical testing. Allele origin: germline. Affected: yes.
Comment: Not observed at significant frequency in large population cohorts (gnomAD); In silico analysis suggests that this missense variant does not alter protein structure/function; Has not been previously published as pathogenic or benign to our knowledge

NM_001080508.3(TBX18):c.254C>T (p.Pro85Leu)

Gene: TBX18 (T-box transcription factor 18; minus strand). Cytogenetic location: 6q14.3.
Variant type: single nucleotide variant.
Coding change: c.254C>T on transcript NM_001080508.3 (MANE Select); coding-DNA position 254, C replaced by T.
Protein change: p.Pro85Leu; replaces proline 85 with leucine.
Molecular consequence: missense variant.
Genome position (GRCh38, 1-based): chr6:84,763,928, G>A on the plus strand (C>T on the coding strand, the complement: TBX18 is on the minus strand). VCF-style: chr6-84763928-G-A. GRCh37 (hg19) VCF-style: chr6-85473646-G-A.
Other names: short protein forms P85L.
Identifiers: ClinVar variation 4538064 (VCV004538064.1).